The following is an entry in ClinVar:

ClinVar aggregate classification (germline): Pathogenic/Likely pathogenic. Review status: criteria provided, multiple submitters, no conflicts (2 of 4 stars). 3 submissions from 3 submitters: Pathogenic (1); Likely pathogenic (2). Last evaluated 2025-12-08.

Conditions:
Primary ciliary dyskinesia. Also called: Ciliary dyskinesia. Identifiers: Orphanet 244, MedGen C0008780, MONDO:0016575, HP:0012265.
DNAH8-related disorder. Also called: DNAH8-related condition.
Spermatogenic failure 46. Identifiers: MedGen C5436799, MONDO:0033673, OMIM 619095.

Allele frequency attached by ClinVar (database versions not stated): gnomAD exomes 0.00008 and 0.00023; ExAC 0.00012; TOPMed 0.00013; gnomAD 0.00019 and 0.00020; 1000 Genomes Project 0.00020; ESP Exome Variant Server 0.00023; 1000 Genomes Project 30x 0.00031.
gnomAD v4.1: 345 of 1,603,154 alleles (0.022%); highest among the groups gnomAD compares: Non-Finnish European, 0.027%; no homozygotes.

Submissions (3):

PreventionGenetics, part of Exact Sciences
Classification: Likely pathogenic for DNAH8-related condition. Last evaluated: 2025-12-08. Review status: criteria provided, single submitter. Criteria: ACMG Guidelines, 2015. Collection method: clinical testing. Allele origin: germline.
Comment: The DNAH8 c.12496C>T variant is predicted to result in premature protein termination (p.Arg4166*). This variant has been reported in an individual with oligoasthenozoospermia (Zhou et al. 2024. PubMed ID: 39267058). This variant is reported in 0.019% of alleles in individuals of European (Non-Finnish) descent in gnomAD and is interpreted as pathogenic in ClinVar (Variation ID: 1073451). Nonsense variants in DNAH8 are expected to be pathogenic. This variant is interpreted as likely pathogenic.

Labcorp Genetics (formerly Invitae), Labcorp
Classification: Pathogenic for Primary ciliary dyskinesia. Last evaluated: 2025-09-02. Review status: criteria provided, single submitter. Criteria: Invitae Variant Classification Sherloc (09022015). Collection method: clinical testing. Allele origin: germline.
Comment: This sequence change creates a premature translational stop signal (p.Arg4166*) in the DNAH8 gene. It is expected to result in an absent or disrupted protein product. Loss-of-function variants in DNAH8 are known to be pathogenic (PMID: 24307375, 32619401, 32681648). This variant is present in population databases (rs150428096, gnomAD 0.02%). This variant has not been reported in the literature in individuals affected with DNAH8-related conditions. ClinVar contains an entry for this variant (Variation ID: 1073451). For these reasons, this variant has been classified as Pathogenic.

First Genomix Gene Laboratory, Genetic Diagnostics Department
Classification: Likely pathogenic for Spermatogenic failure 46. Last evaluated: 2025-03-26. Review status: criteria provided, single submitter. Criteria: ACMG Guidelines, 2015. Collection method: clinical testing. Allele origin: germline. Inheritance: Autosomal recessive inheritance. Affected: no. Observed: 1 variant allele.

Literature cited by the submitters: PubMed 24307375 (cited by Labcorp Genetics (formerly Invitae), Labcorp); PubMed 32619401 (cited by Labcorp Genetics (formerly Invitae), Labcorp); PubMed 32681648 (cited by Labcorp Genetics (formerly Invitae), Labcorp).

NM_001206927.2(DNAH8):c.12496C>T (p.Arg4166Ter)

Gene: DNAH8 (dynein axonemal heavy chain 8; plus strand). Cytogenetic location: 6p21.2.
Variant type: single nucleotide variant.
Coding change: c.12496C>T on transcript NM_001206927.2 (MANE Select); coding-DNA position 12496, C replaced by T.
Protein change: p.Arg4166Ter; replaces arginine 4166 with a stop codon.
Molecular consequence: nonsense.
Genome position (GRCh38, 1-based): chr6:38,971,636, C>T. VCF-style: chr6-38971636-C-T. GRCh37 (hg19) VCF-style: chr6-38939412-C-T.
Other names: c.11845C>T, p.Arg3949Ter (NM_001371.4); c.12496C>T (NM_001206927.1); short protein forms R3949*, R4166*.
Identifiers: ClinVar variation 1073451 (VCV001073451.9), dbSNP rs150428096, ClinGen allele CA3791360.
Genomic context (GRCh38, chr6:38,971,636, plus strand): 5'-TTCTCCTATGTTACAGAATGTAGAACTATCTCAATGGGGCAAGGACAAGAAGTACATGCT[C>T]GAAAGCTGATTCAGATGTCAATGCAGCAGGTATGTGACAAGAGACTGCTCCTGCTGCAAC-3'